The following is an entry in ClinVar:

ClinVar aggregate classification (germline): Uncertain significance (1 of 4 stars; one submission).

Conditions:
Ataxia-telangiectasia syndrome (AT). Also called: AT, COMPLEMENTATION GROUP C; Ataxia-telangiectasia, complementation group D; Cerebello-oculocutaneous telangiectasia; Immunodeficiency with ataxia telangiectasia; LOUIS-BAR SYNDROME; Ataxia telangiectasia (A-T). Identifiers: Orphanet 100, MedGen C0004135, MONDO:0008840, OMIM 208900.

Submission:

Labcorp Genetics (formerly Invitae), Labcorp
Classification: Uncertain significance for Ataxia-telangiectasia syndrome. Last evaluated: 2025-02-19. Review status: criteria provided, single submitter. Criteria: Invitae Variant Classification Sherloc (09022015). Collection method: clinical testing. Allele origin: germline.
Comment: This sequence change falls in intron 14 of the ATM gene. It does not directly change the encoded amino acid sequence of the ATM protein. It affects a nucleotide within the consensus splice site. This variant is not present in population databases (gnomAD no frequency). This variant has not been reported in the literature in individuals affected with ATM-related conditions. Variants that disrupt the consensus splice site are a relatively common cause of aberrant splicing (PMID: 17576681, 9536098). Algorithms developed to predict the effect of sequence changes on RNA splicing suggest that this variant may disrupt the consensus splice site. In summary, the available evidence is currently insufficient to determine the role of this variant in disease. Therefore, it has been classified as a Variant of Uncertain Significance.

Literature cited by the submitters: PubMed 17576681; PubMed 9536098.

NM_000051.4(ATM):c.2250+5_2250+7del

Gene: ATM (ATM serine/threonine kinase; plus strand). Cytogenetic location: 11q22.3.
Variant type: Deletion.
Coding change: c.2250+5_2250+7del on transcript NM_000051.4 (MANE Select); bases 5 to 7 of the intron after coding-DNA position 2250, 3 bases deleted (GAG; older notation c.2250+5_2250+7delGAG).
Molecular consequence: intron variant.
Genome position (GRCh38, 1-based): chr11:108,256,345-108,256,347, GAG deleted; deleting any 3 consecutive bases within chr11:108,256,343-108,256,347 gives the same sequence; the c. name uses the placement nearest the transcript's 3' end. VCF-style (leftmost placement, unchanged base first): chr11-108256342-TAGG-T. GRCh37 (hg19) VCF-style: chr11-108127069-TAGG-T.
Other names: c.2250+5_2250+7del (NM_001351834.2).
Identifiers: ClinVar variation 4713491 (VCV004713491.1).